The following is an entry in ClinVar:

ClinVar aggregate classification (germline): Likely benign. Review status: criteria provided, single submitter (1 of 4 stars). 2 submissions from 2 submitters: Likely benign (1). 1 of the submissions does not count toward it. Last evaluated 2022-09-17.

Conditions:
POLQ-related disorder. Also called: POLQ-related condition.

Allele frequency attached by ClinVar (database versions not stated): ESP Exome Variant Server 0.00008; 1000 Genomes Project 30x 0.00016; 1000 Genomes Project 0.00020; gnomAD 0.00027; gnomAD exomes 0.00033; TOPMed 0.00076; ExAC 0.00125.
gnomAD v4.1: 509 of 1,613,296 alleles (0.032%); highest among the groups gnomAD compares: Admixed American, 0.84%; 4 homozygotes.

Submissions (2):

Ambry Genetics
Classification: Likely benign. Last evaluated: 2022-09-17. Review status: criteria provided, single submitter. Criteria: Ambry Variant Classification Scheme 2023. Collection method: clinical testing. Allele origin: germline.

PreventionGenetics, part of Exact Sciences
Classification: Benign for POLQ-related condition. Last evaluated: 2019-06-25. Review status: no assertion criteria provided. Collection method: clinical testing. Allele origin: germline. Not counted in ClinVar's aggregate classification.
Comment: This variant is classified as benign based on ACMG/AMP sequence variant interpretation guidelines (Richards et al. 2015 PMID: 25741868, with internal and published modifications).

NM_199420.4(POLQ):c.3895A>G (p.Thr1299Ala)

Gene: POLQ (DNA polymerase theta; minus strand). Cytogenetic location: 3q13.33.
Variant type: single nucleotide variant.
Coding change: c.3895A>G on transcript NM_199420.4 (MANE Select); coding-DNA position 3895, A replaced by G.
Protein change: p.Thr1299Ala; replaces threonine 1299 with alanine.
Molecular consequence: missense variant.
Genome position (GRCh38, 1-based): chr3:121,489,036, T>C on the plus strand (A>G on the coding strand, the complement: POLQ is on the minus strand). VCF-style: chr3-121489036-T-C. GRCh37 (hg19) VCF-style: chr3-121207883-T-C.
Other names: short protein forms T1299A.
Identifiers: ClinVar variation 1735931 (VCV001735931.4), dbSNP rs3218632, ClinGen allele CA2562992.